The following is an entry in ClinVar:

NC_000001.10:g.(?_167863071)_(167865949_?)dup

Gene: ADCY10 (adenylate cyclase 10; minus strand). Cytogenetic location: 1q24.2.
Variant type: Duplication.
Identifiers: ClinVar variation 1513768 (VCV001513768.4).

ClinVar aggregate classification (germline): Uncertain significance (1 of 4 stars; one submission).

Submission:

Labcorp Genetics (formerly Invitae), Labcorp
Classification: Uncertain significance. Last evaluated: 2021-06-12. Review status: criteria provided, single submitter. Criteria: Invitae Variant Classification Sherloc (09022015). Collection method: clinical testing. Allele origin: germline.
Comment: In summary, the available evidence is currently insufficient to determine the role of this variant in disease. Therefore, it has been classified as a Variant of Uncertain Significance. Experimental studies and prediction algorithms are not available or were not evaluated, and the functional significance of this variant is currently unknown. This variant has not been reported in the literature in individuals with ADCY10-related conditions. This variant results in a copy number gain of the genomic region encompassing exon(s) 7-8 of the ADCY10 gene. While the exact position of this variant cannot be determined from the data, sub-genic copy number gains are generally in tandem (PMID: 25640679). This variant is predicted to be in-frame, and likely preserves the integrity of the reading frame.

Literature cited by the submitters: PubMed 25640679.